The following is an entry in ClinVar:

NM_012213.3(MLYCD):c.674del (p.Met225fs)

Gene: MLYCD (malonyl-CoA decarboxylase; plus strand). Cytogenetic location: 16q23.3.
Variant type: Deletion.
Coding change: c.674del on transcript NM_012213.3 (MANE Select); coding-DNA position 674, one base deleted (T; older notation c.674delT).
Protein change: p.Met225fs; shifts the reading frame from methionine 225.
Molecular consequence: frameshift variant.
Genome position (GRCh38, 1-based): chr16:83,908,158, T deleted. VCF-style (leftmost placement, unchanged base first): chr16-83908157-AT-A. GRCh37 (hg19) VCF-style: chr16-83941762-AT-A.
Other names: short protein forms M225fs.
Identifiers: ClinVar variation 2174042 (VCV002174042.4), dbSNP rs750150415, ClinGen allele CA8197334.

ClinVar aggregate classification (germline): Pathogenic (1 of 4 stars; one submission).

Conditions:
Deficiency of malonyl-CoA decarboxylase. Also called: Malonic aciduria; MCD deficiency. Identifiers: Orphanet 943, MedGen C0342793, MONDO:0009556, OMIM 248360.

Allele frequency attached by ClinVar (database versions not stated): gnomAD exomes below 0.00001; ExAC 0.00001; gnomAD 0.00001; TOPMed 0.00001; ESP Exome Variant Server 0.00042.

Submission:

Labcorp Genetics (formerly Invitae), Labcorp
Classification: Pathogenic for Deficiency of malonyl-CoA decarboxylase. Last evaluated: 2023-11-21. Review status: criteria provided, single submitter. Criteria: Invitae Variant Classification Sherloc (09022015). Collection method: clinical testing. Allele origin: germline.
Comment: This sequence change creates a premature translational stop signal (p.Met225Argfs*3) in the MLYCD gene. It is expected to result in an absent or disrupted protein product. Loss-of-function variants in MLYCD are known to be pathogenic (PMID: 12955715, 17186413). This variant is not present in population databases (gnomAD no frequency). This variant has not been reported in the literature in individuals affected with MLYCD-related conditions. ClinVar contains an entry for this variant (Variation ID: 2174042). For these reasons, this variant has been classified as Pathogenic.

Literature cited by the submitters: PubMed 12955715; PubMed 17186413.